The following is an entry in ClinVar:

ClinVar aggregate classification (germline): Likely benign (1 of 4 stars; one submission).

Allele frequency attached by ClinVar (database versions not stated): gnomAD exomes 0.00049; gnomAD 0.00417 and 0.00443; 1000 Genomes Project 30x 0.00422; 1000 Genomes Project 0.00459; TOPMed 0.00471.

Submission:

GeneDx
Classification: Likely benign. Last evaluated: 2018-06-16. Review status: criteria provided, single submitter. Criteria: GeneDx Variant Classification (06012015). Collection method: clinical testing. Allele origin: germline. Affected: yes.
Comment: This variant is considered likely benign or benign based on one or more of the following criteria: it is a conservative change, it occurs at a poorly conserved position in the protein, it is predicted to be benign by multiple in silico algorithms, and/or has population frequency not consistent with disease.

NM_007208.4(MRPL3):c.369+148T>G

Gene: MRPL3 (mitochondrial ribosomal protein L3; minus strand). Cytogenetic location: 3q22.1.
Variant type: single nucleotide variant.
Coding change: c.369+148T>G on transcript NM_007208.4 (MANE Select); 148 bases into the intron after coding-DNA position 369, T replaced by G.
Molecular consequence: intron variant.
Genome position (GRCh38, 1-based): chr3:131,500,282, A>C on the plus strand (T>G on the coding strand, the complement: MRPL3 is on the minus strand). VCF-style: chr3-131500282-A-C. GRCh37 (hg19) VCF-style: chr3-131219126-A-C.
Identifiers: ClinVar variation 676946 (VCV000676946.1), dbSNP rs143805867, ClinGen allele CA83516192.